The following is an entry in ClinVar:

ClinVar aggregate classification (germline): Likely pathogenic. Review status: criteria provided, multiple submitters, no conflicts (2 of 4 stars). 4 submissions from 4 submitters: Likely pathogenic (4). Last evaluated 2025-12-03.

Conditions:
Holocarboxylase synthetase deficiency. Also called: MULTIPLE CARBOXYLASE DEFICIENCY, EARLY ONSET. Identifiers: Orphanet 79242, MedGen C0268581, MONDO:0009666, OMIM 253270.

Submissions (4):

Natera, Inc.
Classification: Likely pathogenic for Holocarboxylase synthetase deficiency. Last evaluated: 2025-12-03. Review status: criteria provided, single submitter. Criteria: Natera Variant Classification Schema (03/2026). Collection method: clinical testing. Allele origin: germline.
Comment: The c.128_144delCGAAGCCTGAACCTTCTinsTTGCTTGAGATTAAGCCTGAGATTAAGG variant in HLCS is a frameshift variant predicted to shift the reading frame beginning at codon 43 and leads to a stop codon 3 codons downstream. This variant is expected to result in nonsense mediated decay, truncation, or a dysfunctional protein product. This variant is rare in the general population with a frequency below the threshold expected for the associated phenotype(s). Given the available evidence, this variant is classified as Likely Pathogenic.

Fulgent Genetics
Classification: Likely pathogenic for Holocarboxylase synthetase deficiency. Last evaluated: 2024-04-16. Review status: criteria provided, single submitter. Criteria: ACMG Guidelines, 2015. Collection method: clinical testing. Allele origin: germline.

Women's Health and Genetics/Laboratory Corporation of America, LabCorp
Classification: Likely pathogenic for Holocarboxylase synthetase deficiency. Last evaluated: 2022-12-16. Review status: criteria provided, single submitter. Criteria: LabCorp Variant Classification Summary - May 2015. Collection method: clinical testing. Allele origin: germline.
Comment: Variant summary: HLCS c.128_144delinsTTGCTTGAGATTAAGCCTGAGATTAAGG (p.Pro43LeufsX3) results in a premature termination codon, predicted to cause a truncation of the encoded protein or absence of the protein due to nonsense mediated decay, which are commonly known mechanisms for disease. Truncations downstream of this position have been classified as pathogenic by our laboratory. The variant was absent in 249914 control chromosomes (gnomAD). To our knowledge, no occurrence of c.128_144delins28 in individuals affected with Holocarboxylase Synthetase Deficiency and no experimental evidence demonstrating its impact on protein function have been reported. One ClinVar submitter has assessed the variant since 2014: the variant was classified as likely pathogenic. Based on the evidence outlined above, the variant was classified as likely pathogenic.

GeneDx
Classification: Likely pathogenic. Last evaluated: 2016-11-23. Review status: criteria provided, single submitter. Criteria: GeneDx Variant Classification (06012015). Collection method: clinical testing. Allele origin: germline. Affected: yes.
Comment: The c.128_144del17ins28 variant has not been published as a pathogenic variant, nor has it been reported as a benign variant to our knowledge. The c.128_144del17ins28 variant was not observed in approximately 6500 individuals of European and African American ancestry in the NHLBI Exome Sequencing Project, indicating it is not a common benign variant in these populations. The c.128_144del17ins28 variant causes a frameshift starting with codon Proline 43, changes this amino acid to a Leucine residue and creates a premature Stop codon at position 3 of the new reading frame, denoted p.Pro43LeufsX3. This variant is predicted to cause loss of normal protein function either through protein truncation or nonsense-mediated mRNA decay. In summary, we interpret this variant to be likely pathogenic.

NM_001352514.2(HLCS):c.569_585delinsTTGCTTGAGATTAAGCCTGAGATTAAGG (p.Pro190_Ser195delinsLeuAlaTer)

Gene: HLCS (holocarboxylase synthetase; minus strand). Cytogenetic location: 21q22.13.
Variant type: Indel.
Coding change: c.569_585delinsTTGCTTGAGATTAAGCCTGAGATTAAGG on transcript NM_001352514.2 (MANE Select); coding-DNA positions 569 to 585, CGAAGCCTGAACCTTCT replaced by TTGCTTGAGATTAAGCCTGAGATTAAGG.
Protein change: p.Pro190_Ser195delinsLeuAlaTer.
Molecular consequence: nonsense. On other transcripts: non-coding transcript variant (2).
Genome position (GRCh38, 1-based): chr21:36,937,301-36,937,317, AGAAGGTTCAGGCTTCG replaced by CCTTAATCTCAGGCTTAATCTCAAGCAA on the plus strand (CGAAGCCTGAACCTTCT replaced by TTGCTTGAGATTAAGCCTGAGATTAAGG on the coding strand, the reverse complement: HLCS is on the minus strand). GRCh37 (hg19): chr21:38,309,601-38,309,617.
Other names: c.128_144delinsTTGCTTGAGATTAAGCCTGAGATTAAGG, p.Pro43_Ser48delinsLeuAlaTer (NM_000411.8, NM_001242784.3, NM_001242785.2 and 4 more transcripts); c.128_144delCGAAGCCTGAACCTTCTinsTTGCTTGAGATTAAGCCTGAGATTAAGG (NM_000411.7).
Identifiers: ClinVar variation 422812 (VCV000422812.4), dbSNP rs1064796014, ClinGen allele CA16620991.
Genomic context (GRCh38, chr21:36,937,301, plus strand): 5'-AGCCTTTGGGTCATCTCTGCCAACATGCTCCATACCGTCCTGCTCAGGCTTAATCTCAAG[AGAAGGTTCAGGCTTCG>CCTTAATCTCAGGCTTAATCTCAAGCAA]GCTCTAGGATCTGGGCTTGCTTGTTTGAGACCTGATCCTTAACTTCCTTCAGAGTGGAGT-3'